The following is an entry in ClinVar:

NM_001083961.2(WDR62):c.4436C>T (p.Ala1479Val)

Gene: WDR62 (WD repeat domain 62; plus strand). Cytogenetic location: 19q13.12.
Variant type: single nucleotide variant.
Coding change: c.4436C>T on transcript NM_001083961.2 (MANE Select); coding-DNA position 4436, C replaced by T.
Protein change: p.Ala1479Val; replaces alanine 1479 with valine.
Molecular consequence: missense variant.
Genome position (GRCh38, 1-based): chr19:36,104,892, C>T. VCF-style: chr19-36104892-C-T. GRCh37 (hg19) VCF-style: chr19-36595794-C-T.
Other names: c.4421C>T, p.Ala1474Val (NM_001411145.1, NM_173636.5); c.4187C>T, p.Ala1396Val (NM_001411146.1); c.4085C>T, p.Ala1362Val (NM_001411147.1); short protein forms A1474V, A1396V, A1479V, A1362V.
Identifiers: ClinVar variation 4767092 (VCV004767092.1).

ClinVar aggregate classification (germline): Uncertain significance (1 of 4 stars; one submission).

gnomAD v4.1: 1 of 1,611,792 alleles (0.000062%); highest among the groups gnomAD compares: Non-Finnish European, 0.000085%; no homozygotes.

Submission:

Labcorp Genetics (formerly Invitae), Labcorp
Classification: Uncertain significance. Last evaluated: 2025-02-10. Review status: criteria provided, single submitter. Criteria: Invitae Variant Classification Sherloc (09022015). Collection method: clinical testing. Allele origin: germline.
Comment: This sequence change replaces alanine, which is neutral and non-polar, with valine, which is neutral and non-polar, at codon 1479 of the WDR62 protein (p.Ala1479Val). This variant is not present in population databases (gnomAD no frequency). This variant has not been reported in the literature in individuals affected with WDR62-related conditions. An algorithm developed to predict the effect of missense changes on protein structure and function (PolyPhen-2) suggests that this variant is likely to be tolerated. In summary, the available evidence is currently insufficient to determine the role of this variant in disease. Therefore, it has been classified as a Variant of Uncertain Significance.